The following is an entry in ClinVar:

ClinVar aggregate classification (germline): Uncertain significance (1 of 4 stars; one submission).

Conditions:
Cystic fibrosis (CF). Also called: MUCOVISCIDOSIS. Identifiers: Orphanet 586, MedGen C0010674, MONDO:0009061, OMIM 219700. Disease mechanism: loss of function.

Submission:

Ambry Genetics
Classification: Uncertain significance for Cystic fibrosis. Last evaluated: 2026-05-14. Review status: criteria provided, single submitter. Criteria: Ambry Variant Classification Scheme 2023. Collection method: clinical testing. Allele origin: germline.
Comment: The p.V1010I variant (also known as c.3028G>A), located in coding exon 19 of the CFTR gene, results from a G to A substitution at nucleotide position 3028. The valine at codon 1010 is replaced by isoleucine, an amino acid with highly similar properties. This amino acid position is conserved. In addition, this alteration is predicted to be tolerated by in silico analysis. Based on the available evidence, the clinical significance of this variant remains unclear.

NM_000492.4(CFTR):c.3028G>A (p.Val1010Ile)

Genes: CFTR (CF transmembrane conductance regulator; plus strand), CFTR-AS2 (CFTR antisense RNA 2; minus strand), LOC111674472 (DNase I hypersensitive sites in introns 16 and 17a of CFTR; plus strand). Cytogenetic location: 7q31.2.
Variant type: single nucleotide variant.
Coding change: c.3028G>A on transcript NM_000492.4 (MANE Select); coding-DNA position 3028, G replaced by A.
Protein change: p.Val1010Ile; replaces valine 1010 with isoleucine.
Molecular consequence: missense variant.
Genome position (GRCh38, 1-based): chr7:117,610,558, G>A. VCF-style: chr7-117610558-G-A. GRCh37 (hg19) VCF-style: chr7-117250612-G-A.
Other names: short protein forms V1010I.
Identifiers: ClinVar variation 4868845 (VCV004868845.1).
Genomic context (GRCh38, chr7:117,610,558, plus strand): 5'-ATGTTTTCTTTGATCTTACAGTTGTTATTAATTGTGATTGGAGCTATAGCAGTTGTCGCA[G>A]TTTTACAACCCTACATCTTTGTTGCAACAGTGCCAGTGATAGTGGCTTTTATTATGTTGA-3'
Protein context (NP_000483.3, residues 1000-1020): IVIGAIAVVA[Val1010Ile]LQPYIFVATV